The following is an entry in ClinVar:

NM_005431.2(XRCC2):c.801A>C (p.Lys267Asn)

Gene: XRCC2 (X-ray repair cross complementing 2; minus strand). Cytogenetic location: 7q36.1.
Variant type: single nucleotide variant.
Coding change: c.801A>C on transcript NM_005431.2 (MANE Select); coding-DNA position 801, A replaced by C.
Protein change: p.Lys267Asn; replaces lysine 267 with asparagine.
Molecular consequence: missense variant.
Genome position (GRCh38, 1-based): chr7:152,648,684, T>G on the plus strand (A>C on the coding strand, the complement: XRCC2 is on the minus strand). VCF-style: chr7-152648684-T-G. GRCh37 (hg19) VCF-style: chr7-152345769-T-G.
Other names: short protein forms K267N.
Identifiers: ClinVar variation 2619690 (VCV002619690.3), dbSNP rs1433853429, ClinGen allele CA370197907.

ClinVar aggregate classification (germline): Uncertain significance (1 of 4 stars; one submission).

Conditions:
Hereditary cancer-predisposing syndrome. Also called: Tumor predisposition; Hereditary Cancer Syndrome; Hereditary neoplastic syndrome; Neoplastic Syndromes, Hereditary. Identifiers: Orphanet 140162, MedGen C0027672, MeSH D009386, MONDO:0015356.

Allele frequency attached by ClinVar (database versions not stated): gnomAD exomes below 0.00001.
gnomAD v4.1: 1 of 1,606,874 alleles (0.000062%); highest among the groups gnomAD compares: East Asian, 0.0022%; no homozygotes.

Submission:

Ambry Genetics
Classification: Uncertain significance for Hereditary cancer-predisposing syndrome. Last evaluated: 2025-10-06. Review status: criteria provided, single submitter. Criteria: Ambry Variant Classification Scheme 2023. Collection method: clinical testing. Allele origin: germline.
Comment: The p.K267N variant (also known as c.801A>C), located in coding exon 3 of the XRCC2 gene, results from an A to C substitution at nucleotide position 801. The lysine at codon 267 is replaced by asparagine, an amino acid with similar properties. This amino acid position is highly conserved in available vertebrate species. In addition, this alteration is predicted to be tolerated by in silico analysis. Since supporting evidence is limited at this time, the clinical significance of this alteration remains unclear.